The following is an entry in ClinVar:

ClinVar aggregate classification (germline): Uncertain significance (1 of 4 stars; one submission).

Conditions:
Idiopathic Pulmonary Fibrosis. Also called: Idiopathic fibrosing alveolitis, chronic form; idiopathic fibrosing alveolitis. Identifiers: Orphanet 2032, MedGen C1800706, MeSH D054990, MONDO:0800504.
Dyskeratosis congenita, autosomal dominant 2. Identifiers: MedGen C3151443, MONDO:0013521, OMIM 613989.

Submission:

Labcorp Genetics (formerly Invitae), Labcorp
Classification: Uncertain significance for Dyskeratosis congenita, autosomal dominant 2; Idiopathic Pulmonary Fibrosis. Last evaluated: 2022-10-31. Review status: criteria provided, single submitter. Criteria: Invitae Variant Classification Sherloc (09022015). Collection method: clinical testing. Allele origin: germline.
Comment: A copy number gain of the genomic region encompassing the full coding sequence of the TERT gene has been identified. The boundaries of this event are unknown as they extend beyond the assayed region for this gene and therefore may encompass additional genes. As the precise location of this event is unknown, it may be in tandem or it may be located elsewhere in the genome. This variant has not been reported in the literature in individuals affected with TERT-related conditions. In summary, the available evidence is currently insufficient to determine the role of this variant in disease. Therefore, it has been classified as a Variant of Uncertain Significance.

NC_000005.9:g.(?_1201766)_(1443312_?)dup

Genes: CLPTM1L (CLPTM1 like), SLC6A18 (solute carrier family 6 member 18; plus strand), SLC6A19 (solute carrier family 6 member 19; plus strand), SLC6A3 (solute carrier family 6 member 3), TERT (telomerase reverse transcriptase; minus strand). Cytogenetic location: 5p15.33.
Variant type: Duplication.
Identifiers: ClinVar variation 2427645 (VCV002427645.4).